The following is an entry in ClinVar:

NM_000238.4(KCNH2):c.2396T>C (p.Leu799Pro)

Gene: KCNH2 (potassium voltage-gated channel subfamily H member 2; minus strand). Cytogenetic location: 7q36.1.
Variant type: single nucleotide variant.
Coding change: c.2396T>C on transcript NM_000238.4 (MANE Select); coding-DNA position 2396, T replaced by C.
Protein change: p.Leu799Pro; replaces leucine 799 with proline.
Molecular consequence: missense variant.
Genome position (GRCh38, 1-based): chr7:150,950,170, A>G on the plus strand (T>C on the coding strand, the complement: KCNH2 is on the minus strand). VCF-style: chr7-150950170-A-G. GRCh37 (hg19) VCF-style: chr7-150647258-A-G.
Other names: p.L799P:CTG>CCG; c.1376T>C, p.Leu459Pro (NM_001204798.2, NM_172057.3); c.2108T>C, p.Leu703Pro (NM_001406753.1, NM_001406756.1); c.2219T>C, p.Leu740Pro (NM_001406755.1); c.2096T>C, p.Leu699Pro (NM_001406757.1); c.2396T>C, p.Leu799Pro (NM_172056.3); short protein forms L459P, L799P, L740P, L699P, L703P.
Identifiers: ClinVar variation 200442 (VCV000200442.6), dbSNP rs794728390, ClinGen allele CA006586.
Genomic context (GRCh38, chr7:150,950,170, plus strand): 5'-GCACCTCTTGAGGCTGCAGAGGGCATTTCCAGTCCAGTGCCCGCCCCCCACCCCATACCC[A>G]GGATGGCCACGACGACGTCGCCCCGCAGGATCTCGATGGAGCCCCGGGAGATGAAGTACA-3'
Protein context (NP_000229.1, residues 789-809): ILRGDVVVAI[Leu799Pro]GKNDIFGEPL

ClinVar aggregate classification (germline): Uncertain significance (1 of 4 stars; one submission).

Submission:

GeneDx
Classification: Uncertain significance. Last evaluated: 2022-09-20. Review status: criteria provided, single submitter. Criteria: GeneDx Variant Classification Process June 2021. Collection method: clinical testing. Allele origin: germline. Affected: yes.
Comment: Not observed in large population cohorts (gnomAD); In silico analysis supports that this missense variant has a deleterious effect on protein structure/function; Has not been previously published as pathogenic or benign to our knowledge; This variant is associated with the following publications: (PMID: 27096365)